The following is an entry in ClinVar:

GRCh38/hg38 9q32(chr9:112617320-112826069)x3

Genes: INIP (INTS3 and NABP interacting protein; minus strand), KIAA1958 (KIAA1958; plus strand), SNX30 (sorting nexin family member 30; plus strand), SNX30-DT (SNX30 divergent transcript; minus strand), LOC121811717 (Sharpr-MPRA regulatory region 12854; plus strand) and 7 more. Cytogenetic location: 9q32.
Variant type: copy number gain.
Change: copy number 3 (three copies instead of two) of chr9:112,617,320-112,826,069 (208.8 kb, GRCh38 coordinates, 1-based), cytogenetic band 9q32.
Identifiers: ClinVar variation 149512 (VCV000149512.2).

ClinVar aggregate classification (germline): Benign/Likely benign (0 of 4 stars; one submission).

Submission:

ISCA site 4
Classification: Benign/Likely benign. Last evaluated: 2012-09-21. Review status: no assertion criteria provided. Collection method: clinical testing. Allele origin: unknown. Affected: yes. Observed: 7 variant alleles. Clinical features observed: Developmental delay AND/OR other significant developmental or morphological phenotypes, Hydrocephalus (HP:0000238), Strabismus (HP:0000486), Autistic behavior (HP:0000729), Seizure (HP:0001250), Global developmental delay (HP:0001263), Cystinuria (HP:0003131).
Comment: Likely benign (6), Benign (1)

Copy number variation identified through the course of routine clinical cytogenomic testing in postnatal populations, with clinical assertions as classified by the original submitter.